The following is an entry in ClinVar:

NM_017841.4(SDHAF2):c.259A>C (p.Ser87Arg)

Gene: SDHAF2 (succinate dehydrogenase complex assembly factor 2; plus strand). Cytogenetic location: 11q12.2.
Variant type: single nucleotide variant.
Coding change: c.259A>C on transcript NM_017841.4 (MANE Select); coding-DNA position 259, A replaced by C.
Protein change: p.Ser87Arg; replaces serine 87 with arginine.
Molecular consequence: missense variant.
Genome position (GRCh38, 1-based): chr11:61,437,847, A>C. VCF-style: chr11-61437847-A-C. GRCh37 (hg19) VCF-style: chr11-61205319-A-C.
Other names: short protein forms S87R.
Identifiers: ClinVar variation 821545 (VCV000821545.4), dbSNP rs1590764938, ClinGen allele CA380683943.

ClinVar aggregate classification (germline): Uncertain significance (1 of 4 stars; one submission).

Conditions:
Hereditary cancer-predisposing syndrome. Also called: Tumor predisposition; Hereditary Cancer Syndrome; Neoplastic Syndromes, Hereditary; Hereditary neoplastic syndrome. Identifiers: Orphanet 140162, MedGen C0027672, MeSH D009386, MONDO:0015356.

Submission:

Ambry Genetics
Classification: Uncertain significance for Hereditary cancer-predisposing syndrome. Last evaluated: 2018-12-26. Review status: criteria provided, single submitter. Criteria: Ambry Variant Classification Scheme 2023. Collection method: clinical testing. Allele origin: germline.
Comment: The p.S87R variant (also known as c.259A>C), located in coding exon 2 of the SDHAF2 gene, results from an A to C substitution at nucleotide position 259. The serine at codon 87 is replaced by arginine, an amino acid with dissimilar properties. This amino acid position is highly conserved in available vertebrate species. In addition, this alteration is predicted to be deleterious by in silico analysis. Since supporting evidence is limited at this time, the clinical significance of this alteration remains unclear.